The following is an entry in ClinVar:

NM_000051.4(ATM):c.5045A>G (p.Asp1682Gly)

Gene: ATM (ATM serine/threonine kinase; plus strand). Cytogenetic location: 11q22.3.
Variant type: single nucleotide variant.
Coding change: c.5045A>G on transcript NM_000051.4 (MANE Select); coding-DNA position 5045, A replaced by G.
Protein change: p.Asp1682Gly; replaces aspartic acid 1682 with glycine.
Molecular consequence: missense variant.
Genome position (GRCh38, 1-based): chr11:108,299,753, A>G. VCF-style: chr11-108299753-A-G. GRCh37 (hg19) VCF-style: chr11-108170480-A-G.
Other names: c.5045A>G, p.Asp1682Gly (NM_001351834.2); short protein forms D1682G.
Identifiers: ClinVar variation 489553 (VCV000489553.19), dbSNP rs980731959, ClinGen allele CA228386099.

ClinVar aggregate classification (germline): Uncertain significance. Review status: criteria provided, multiple submitters, no conflicts (2 of 4 stars). 4 submissions from 4 submitters: Uncertain significance (4). Last evaluated 2025-09-27.

Conditions:
Hereditary cancer-predisposing syndrome. Also called: Tumor predisposition; Neoplastic Syndromes, Hereditary; Hereditary Cancer Syndrome; Hereditary neoplastic syndrome. Identifiers: Orphanet 140162, MedGen C0027672, MeSH D009386, MONDO:0015356.
Ataxia-telangiectasia syndrome (AT). Also called: Ataxia-telangiectasia; Ataxia-telangiectasia, complementation group D; AT, COMPLEMENTATION GROUP C; LOUIS-BAR SYNDROME; Cerebello-oculocutaneous telangiectasia; Immunodeficiency with ataxia telangiectasia. Identifiers: Orphanet 100, MedGen C0004135, MONDO:0008840, OMIM 208900.

Submissions (4):

Labcorp Genetics (formerly Invitae), Labcorp
Classification: Uncertain significance for Ataxia-telangiectasia syndrome. Last evaluated: 2025-09-27. Review status: criteria provided, single submitter. Criteria: Invitae Variant Classification Sherloc (09022015). Collection method: clinical testing. Allele origin: germline.
Comment: This sequence change replaces aspartic acid, which is acidic and polar, with glycine, which is neutral and non-polar, at codon 1682 of the ATM protein (p.Asp1682Gly). This variant is not present in population databases (gnomAD no frequency). This variant has not been reported in the literature in individuals affected with ATM-related conditions. ClinVar contains an entry for this variant (Variation ID: 489553). Invitae Evidence Modeling of protein sequence and biophysical properties (such as structural, functional, and spatial information, amino acid conservation, physicochemical variation, residue mobility, and thermodynamic stability) has been performed for this missense variant. However, the output from this modeling did not meet the statistical confidence thresholds required to predict the impact of this variant on ATM protein function. In summary, the available evidence is currently insufficient to determine the role of this variant in disease. Therefore, it has been classified as a Variant of Uncertain Significance.

Color Diagnostics, LLC DBA Color Health
Classification: Uncertain significance for Hereditary cancer-predisposing syndrome. Last evaluated: 2023-12-05. Review status: criteria provided, single submitter. Criteria: ACMG Guidelines, 2015. Collection method: clinical testing. Allele origin: germline.
Comment: This missense variant replaces aspartic acid with glycine at codon 1682 of the ATM protein. Computational prediction is inconclusive regarding the impact of this variant on protein structure and function (internally defined REVEL score threshold 0.5 < inconclusive < 0.7, PMID: 27666373). To our knowledge, functional studies have not been reported for this variant. This variant has not been reported in individuals affected with ATM-related disorders in the literature. This variant has not been identified in the general population by the Genome Aggregation Database (gnomAD). The available evidence is insufficient to determine the role of this variant in disease conclusively. Therefore, this variant is classified as a Variant of Uncertain Significance.

GeneDx
Classification: Uncertain significance. Last evaluated: 2023-05-08. Review status: criteria provided, single submitter. Criteria: GeneDx Variant Classification Process June 2021. Collection method: clinical testing. Allele origin: germline. Affected: yes.
Comment: Not observed at significant frequency in large population cohorts (gnomAD); In silico analysis supports that this missense variant has a deleterious effect on protein structure/function; Has not been previously published as pathogenic or benign to our knowledge

Ambry Genetics
Classification: Uncertain significance for Hereditary cancer-predisposing syndrome. Last evaluated: 2017-12-18. Review status: criteria provided, single submitter. Criteria: Ambry Variant Classification Scheme 2023. Collection method: clinical testing. Allele origin: germline.
Comment: The p.D1682G variant (also known as c.5045A>G), located in coding exon 33 of the ATM gene, results from an A to G substitution at nucleotide position 5045. The aspartic acid at codon 1682 is replaced by glycine, an amino acid with similar properties. This amino acid position is well conserved in available vertebrate species. In addition, the in silico prediction for this alteration is inconclusive. Since supporting evidence is limited at this time, the clinical significance of this alteration remains unclear.